The following is an entry in ClinVar:

ClinVar aggregate classification (germline): Likely benign. Review status: criteria provided, multiple submitters, no conflicts (2 of 4 stars). 3 submissions from 3 submitters: Likely benign (3). Last evaluated 2025-11-25.

Allele frequency attached by ClinVar (database versions not stated): ExAC 0.00010; gnomAD 0.00011; TOPMed 0.00014; 1000 Genomes Project 30x 0.00016; ESP Exome Variant Server 0.00016; 1000 Genomes Project 0.00020.
gnomAD v4.1: 390 of 1,611,796 alleles (0.024%); highest among the groups gnomAD compares: Non-Finnish European, 0.031%; no homozygotes.

Submissions (3):

Labcorp Genetics (formerly Invitae), Labcorp
Classification: Likely benign. Last evaluated: 2025-11-25. Review status: criteria provided, single submitter. Criteria: Invitae Variant Classification Sherloc (09022015). Collection method: clinical testing. Allele origin: germline.

CeGaT Center for Human Genetics Tuebingen
Classification: Likely benign. Last evaluated: 2025-11-01. Review status: criteria provided, single submitter. Criteria: CeGaT Center For Human Genetics Tuebingen Variant Classification Criteria Version 2. Collection method: clinical testing. Allele origin: germline. Affected: yes. Observed: 2 variant alleles.
Comment: CACNA1B: BP4, BP7

Blueprint Genetics
Classification: Likely benign. Last evaluated: 2024-06-11. Review status: criteria provided, single submitter. Criteria: ACMG Guidelines, 2015. Collection method: clinical testing. Allele origin: germline.

NM_000718.4(CACNA1B):c.2025G>A (p.Ser675=)

Gene: CACNA1B (calcium voltage-gated channel subunit alpha1 B; plus strand). Cytogenetic location: 9q34.3.
Variant type: single nucleotide variant.
Coding change: c.2025G>A on transcript NM_000718.4 (MANE Select); coding-DNA position 2025, G replaced by A.
Protein change: p.Ser675=; no amino-acid change (serine 675 retained).
Molecular consequence: synonymous variant.
Genome position (GRCh38, 1-based): chr9:138,006,817, G>A. VCF-style: chr9-138006817-G-A. GRCh37 (hg19) VCF-style: chr9-140901269-G-A.
Other names: c.2025G>A, p.Ser675= (NM_001243812.2).
Identifiers: ClinVar variation 2076922 (VCV002076922.18), dbSNP rs202184196, ClinGen allele CA5376354.